The following is an entry in ClinVar:

NM_007078.3(LDB3):c.1161C>T (p.Gly387=)

Gene: LDB3 (LIM domain binding 3; plus strand). Cytogenetic location: 10q23.2.
Variant type: single nucleotide variant.
Coding change: c.1161C>T on transcript NM_007078.3 (MANE Select); coding-DNA position 1161, C replaced by T.
Protein change: p.Gly387=; no amino-acid change (glycine 387 retained).
Molecular consequence: synonymous variant.
Genome position (GRCh38, 1-based): chr10:86,709,980, C>T. VCF-style: chr10-86709980-C-T. GRCh37 (hg19) VCF-style: chr10-88469737-C-T.
Other names: c.831C>T, p.Gly277= (NM_001080114.2); c.1176C>T, p.Gly392= (NM_001171610.2); c.972C>T, p.Gly324= (NM_001368064.1, NM_001368065.1); c.1020C>T, p.Gly340= (NM_001368066.1).
Identifiers: ClinVar variation 2133071 (VCV002133071.5), dbSNP rs2492777227, ClinGen allele CA470307950.

ClinVar aggregate classification (germline): Conflicting classifications of pathogenicity. Review status: criteria provided, conflicting classifications (1 of 4 stars). 2 submissions from 2 submitters: Uncertain significance (1); Likely benign (1). Last evaluated 2024-11-30.

Conditions:
Cardiovascular phenotype. Identifiers: MedGen CN230736.
Myofibrillar myopathy 4. Also called: Zaspopathy (type). Identifiers: Orphanet 98912, MedGen C4721886, MONDO:0012277, OMIM 609452.

gnomAD v4.1: 1 of 1,613,118 alleles (0.000062%); highest among the groups gnomAD compares: Non-Finnish European, 0.000085%; no homozygotes.

Submissions (2):

Ambry Genetics
Classification: Likely benign for Cardiovascular phenotype. Last evaluated: 2024-11-30. Review status: criteria provided, single submitter. Criteria: Ambry Variant Classification Scheme 2023. Collection method: clinical testing. Allele origin: germline.

Labcorp Genetics (formerly Invitae), Labcorp
Classification: Uncertain significance for Myofibrillar myopathy 4. Last evaluated: 2024-11-11. Review status: criteria provided, single submitter. Criteria: Invitae Variant Classification Sherloc (09022015). Collection method: clinical testing. Allele origin: germline.
Comment: The LDB3 gene has multiple clinically relevant transcripts. This variant occurs in alternate transcript NM_007078.3, and corresponds to NM_001080116.1:c.*10606C>T in the primary transcript. This sequence change affects codon 387 of the LDB3 mRNA. It is a 'silent' change, meaning that it does not change the encoded amino acid sequence of the LDB3 protein. This variant is not present in population databases (gnomAD no frequency). This variant has not been reported in the literature in individuals affected with LDB3-related conditions. Experimental studies and prediction algorithms are not available or were not evaluated, and the effect of this variant on mRNA splicing is currently unknown. In summary, the available evidence is currently insufficient to determine the role of this variant in disease. Therefore, it has been classified as a Variant of Uncertain Significance.